The following is an entry in ClinVar:

ClinVar aggregate classification (germline): Benign/Likely benign (0 of 4 stars; one submission).

Submission:

GeneDx
Classification: Benign/Likely benign. Last evaluated: 2011-04-30. Review status: no assertion criteria provided. Collection method: clinical testing. Allele origin: not provided. Affected: yes. Observed: 3 variant alleles. Clinical features observed: Developmental delay AND/OR other significant developmental or morphological phenotypes.
Comment: Likely benign (1), Benign (2)

GRCh38/hg38 2p22.3(chr2:32452646-33069656)x3

Genes: BIRC6 (baculoviral IAP repeat containing 6; plus strand), BIRC6-AS2 (BIRC6 antisense RNA 2; minus strand), LINC00486 (long intergenic non-protein coding RNA 486; plus strand), LTBP1 (latent transforming growth factor beta binding protein 1; plus strand), MIR4765 (microRNA 4765; plus strand) and 14 more. Cytogenetic location: 2p22.3.
Variant type: copy number gain.
Change: copy number 3 (three copies instead of two) of chr2:32,452,646-33,069,656 (617.0 kb, GRCh38 coordinates, 1-based), cytogenetic band 2p22.3.
Identifiers: ClinVar variation 145857 (VCV000145857.1).